The following is an entry in ClinVar:

ClinVar aggregate classification (germline): Uncertain significance (1 of 4 stars; one submission).

Allele frequency attached by ClinVar (database versions not stated): gnomAD exomes 0.00001.

Submission:

GeneDx
Classification: Uncertain significance. Last evaluated: 2022-08-03. Review status: criteria provided, single submitter. Criteria: GeneDx Variant Classification Process June 2021. Collection method: clinical testing. Allele origin: germline. Affected: yes.
Comment: Not observed at significant frequency in large population cohorts (gnomAD); Has not been previously published as pathogenic or benign to our knowledge

NM_153240.5(NPHP3):c.-3G>T

Genes: NPHP3 (nephrocystin 3; minus strand), NPHP3-ACAD11 (NPHP3-ACAD11 readthrough (NMD candidate); minus strand), NPHP3-AS1 (NPHP3 antisense RNA 1; plus strand). Cytogenetic location: 3q22.1.
Variant type: single nucleotide variant.
Coding change: c.-3G>T on transcript NM_153240.5 (MANE Select); 3 bases upstream of the start codon, G replaced by T.
Molecular consequence: 5 prime UTR variant. On other transcripts: non-coding transcript variant (3).
Genome position (GRCh38, 1-based): chr3:132,722,358, C>A on the plus strand (G>T on the coding strand, the complement: NPHP3 is on the minus strand). VCF-style: chr3-132722358-C-A. GRCh37 (hg19) VCF-style: chr3-132441202-C-A.
Identifiers: ClinVar variation 2428821 (VCV002428821.3), dbSNP rs925129351, ClinGen allele CA83611252.